The following is an entry in ClinVar:

ClinVar aggregate classification (germline): Likely pathogenic. Review status: criteria provided, multiple submitters, no conflicts (2 of 4 stars). 2 submissions from 2 submitters: Likely pathogenic (2). Last evaluated 2023-12-06.

Conditions:
Dilated cardiomyopathy 1G (CMD1G). Identifiers: Orphanet 154, MedGen C1858763, MONDO:0011400, OMIM 604145.
Autosomal recessive limb-girdle muscular dystrophy type 2J (LGMDR10). Also called: Limb-girdle muscular dystrophy, type 2J; MUSCULAR DYSTROPHY, LIMB-GIRDLE, AUTOSOMAL RECESSIVE 10. Identifiers: Orphanet 140922, MedGen C1837342, MONDO:0012127, OMIM 608807.
Cardiovascular phenotype. Identifiers: MedGen CN230736.

Submissions (2):

Labcorp Genetics (formerly Invitae), Labcorp
Classification: Likely pathogenic for Dilated cardiomyopathy 1G; Autosomal recessive limb-girdle muscular dystrophy type 2J. Last evaluated: 2023-12-06. Review status: criteria provided, single submitter. Criteria: Invitae Variant Classification Sherloc (09022015). Collection method: clinical testing. Allele origin: germline.
Comment: This sequence change creates a premature translational stop signal (p.Lys34724Leufs*13) in the TTN gene. While this is not anticipated to result in nonsense mediated decay, it is expected to create a truncated TTN protein. This variant is not present in population databases (gnomAD no frequency). This variant has not been reported in the literature in individuals affected with TTN-related conditions. ClinVar contains an entry for this variant (Variation ID: 1487828). This variant is located in the M band of TTN (PMID: 25589632). Truncating variants in this region have been previously reported in individuals affected with autosomal recessive myopathy and muscular dystrophy (PMID: 18948003, 23975875, 24395473). Truncating variants in this region have also been identified in individuals affected with autosomal dominant dilated cardiomyopathy and/or cardio-related conditions (PMID: 27869827, 32964742). In summary, the currently available evidence indicates that the variant is pathogenic, but additional data are needed to prove that conclusively. Therefore, this variant has been classified as Likely Pathogenic.

Ambry Genetics
Classification: Likely pathogenic for Cardiovascular phenotype. Last evaluated: 2023-03-24. Review status: criteria provided, single submitter. Criteria: Ambry Variant Classification Scheme 2023. Collection method: clinical testing. Allele origin: germline.
Comment: The c.76975_76979delAAAGA variant, located in coding exon 185 of the TTN gene, results from a deletion of 5 nucleotides at nucleotide positions 76975 to 76979, causing a translational frameshift with a predicted alternate stop codon (p.K25659Lfs*13). This exon is located in the M-band region of the N2-B isoform of the titin protein and is constitutively expressed in TTN transcripts (percent spliced in or PSI 100%). This variant is considered to be rare based on population cohorts in the Genome Aggregation Database (gnomAD). This alteration is expected to result in loss of function by premature protein truncation or nonsense-mediated mRNA decay. While truncating variants in TTN are present in 1-3% of the general population, truncating variants in the M-band have been reported in association with autosomal recessive titinopathies, primarily presenting with skeletal myopathy phenotypes (Ceyhan-Birsoy O et al. Neurology. 2013 Oct 1;81(14):1205-14; De Cid R et al. Neurology. 2015;85(24):2126-35). In addition, regardless of their position, TTN truncating variants encoded in constitutive exons (PSI >90%) have been found to be significantly associated with dilated cardiomyopathy (DCM), though truncating variants in the A-band are the most common cause of DCM (Herman DS et al. N. Engl. J. Med., 2012 Feb;366:619-28; Roberts AM et al. Sci Transl Med, 2015 Jan;7:270ra6; Schafer S et al. Nat. Genet., 2017 01;49:46-53). Based on the majority of available evidence to date, this variant is likely to be pathogenic in association with autosomal recessive titinopathy; however, the clinical significance of this alteration with respect to cardiomyopathy remains unclear.

Literature cited by the submitters: PubMed 25589632 (cited by Labcorp Genetics (formerly Invitae), Labcorp); PubMed 18948003 (cited by Labcorp Genetics (formerly Invitae), Labcorp); PubMed 23975875 (cited by Labcorp Genetics (formerly Invitae), Labcorp); PubMed 24395473 (cited by Labcorp Genetics (formerly Invitae), Labcorp); PubMed 27869827 (cited by Labcorp Genetics (formerly Invitae), Labcorp); PubMed 32964742 (cited by Labcorp Genetics (formerly Invitae), Labcorp).

NM_001267550.2(TTN):c.104170_104174del (p.Lys34724fs)

Genes: TTN (titin; minus strand), TTN-AS1 (TTN antisense RNA 1; plus strand). Cytogenetic location: 2q31.2.
Variant type: Deletion.
Coding change: c.104170_104174del on transcript NM_001267550.2 (MANE Select); coding-DNA positions 104170 to 104174, 5 bases deleted (AAAGA; older notation c.104170_104174delAAAGA).
Protein change: p.Lys34724fs; shifts the reading frame from lysine 34724.
Molecular consequence: frameshift variant.
Genome position (GRCh38, 1-based): chr2:178,532,441-178,532,445, TCTTT deleted on the plus strand (AAAGA on the coding strand, the reverse complement: TTN is on the minus strand); deleting any 5 consecutive bases within chr2:178,532,441-178,532,449 gives the same sequence; the c. name uses the placement nearest the transcript's 3' end. VCF-style (leftmost placement, unchanged base first): chr2-178532440-GTCTTT-G. GRCh37 (hg19) VCF-style: chr2-179397167-GTCTTT-G.
Other names: c.99247_99251del, p.Lys33083fs (NM_001256850.1); c.76975_76979del, p.Lys25659fs (NM_003319.4); c.96466_96470del, p.Lys32156fs (NM_133378.4); c.77350_77354del, p.Lys25784fs (NM_133432.3); c.77551_77555del, p.Lys25851fs (NM_133437.4); c.76975_76979delAAAGA (NM_003319.4); short protein forms K25659fs, K25784fs, K25851fs, K32156fs, K33083fs, K34724fs.
Identifiers: ClinVar variation 1487828 (VCV001487828.9), dbSNP rs2154134297, ClinGen allele CA2573134057.
Genomic context (GRCh38, chr2:178,532,440, plus strand): 5'-TTCTGCATAACTTGTACTAGCTTCAGCCTTCGTTGGGATGTGATAGGTTGAATACCTGAA[GTCTTT>G]TCTTGTTTCCTCCACCTTGACATGAGCTTGTGGTGAAGAGTAACGTAGGCTAGAAAGCTC-3'